The following is an entry in ClinVar:

ClinVar aggregate classification (germline): Uncertain significance (1 of 4 stars; one submission).

Conditions:
Uruguay Faciocardiomusculoskeletal syndrome. Identifiers: MedGen C1846010, MONDO:0010292, OMIM 300280.

Submission:

Department of Paediatrics at Addenbrookes, Cambridge University Hospitals NHS Foundation Trust (UK)
Classification: Uncertain significance for Uruguay Faciocardiomusculoskeletal syndrome. Last evaluated: 2025-05-27. Review status: criteria provided, single submitter. Criteria: Durkie Uk Practice Guidelines For Variant Classification V12 2024 (1). Collection method: clinical testing. Allele origin: unknown.
Comment: PM2_Moderate; BP4_Supporting

NM_001159699.2(FHL1):c.407C>T (p.Thr136Ile)

Gene: FHL1 (four and a half LIM domains 1; plus strand). Cytogenetic location: Xq26.3.
Variant type: single nucleotide variant.
Coding change: c.407C>T on transcript NM_001159699.2 (MANE Select); coding-DNA position 407, C replaced by T.
Protein change: p.Thr136Ile; replaces threonine 136 with isoleucine.
Molecular consequence: missense variant. On other transcripts: non-coding transcript variant (1).
Genome position (GRCh38, 1-based): chrX:136,207,819, C>T. VCF-style: chrX-136207819-C-T. GRCh37 (hg19) VCF-style: chrX-135289978-C-T.
Other names: c.359C>T, p.Thr120Ile (NM_001159700.2, NM_001369331.1, NM_001449.5 and 9 more transcripts); c.446C>T, p.Thr149Ile (NM_001159701.2); c.407C>T, p.Thr136Ile (NM_001440769.1, NM_001330659.2); short protein forms T120I, T136I, T149I.
Identifiers: ClinVar variation 4279535 (VCV004279535.1).